The following is an entry in ClinVar:

NM_001458.5(FLNC):c.6963C>T (p.Gly2321=)

Genes: FLNC-AS1 (FLNC antisense RNA 1; minus strand), FLNC (filamin C; plus strand). Cytogenetic location: 7q32.1.
Variant type: single nucleotide variant.
Coding change: c.6963C>T on transcript NM_001458.5 (MANE Select); coding-DNA position 6963, C replaced by T.
Protein change: p.Gly2321=; no amino-acid change (glycine 2321 retained).
Molecular consequence: synonymous variant.
Genome position (GRCh38, 1-based): chr7:128,854,648, C>T. VCF-style: chr7-128854648-C-T. GRCh37 (hg19) VCF-style: chr7-128494702-C-T.
Other names: c.6864C>T, p.Gly2288= (NM_001127487.2).
Identifiers: ClinVar variation 2196479 (VCV002196479.5), dbSNP rs1182283562, ClinGen allele CA457849842.
Genomic context (GRCh38, chr7:128,854,648, plus strand): 5'-CTTTCAGTTCACTGTGGGGCCGCTGGGTGAAGGTGGTGCCCACAAGGTGCGGGCCGGAGG[C>T]ACAGGGCTGGAGCGAGGTGTGGCCGGCGTGCCAGGTAAGGGGCAGGTGGCCAGGAGTGGG-3'
Protein context (NP_001449.3, residues 2311-2331): EGGAHKVRAG[Gly2321=]TGLERGVAGV

ClinVar aggregate classification (germline): Conflicting classifications of pathogenicity. Review status: criteria provided, conflicting classifications (1 of 4 stars). 2 submissions from 2 submitters: Uncertain significance (1); Likely benign (1). Last evaluated 2025-02-07.

Conditions:
Cardiovascular phenotype. Identifiers: MedGen CN230736.
Myofibrillar myopathy 5. Also called: FILAMINOPATHY, AUTOSOMAL DOMINANT; Filaminopathy (type). Identifiers: Orphanet 171445, MedGen C1836050, MONDO:0012289, OMIM 609524.
Hypertrophic cardiomyopathy 26. Also called: Cardiomyopathy, familial hypertrophic, 26. Identifiers: Orphanet 75249, MedGen C4310749, MONDO:0014883, OMIM 617047.
Distal myopathy with posterior leg and anterior hand involvement. Also called: WILLIAMS DISTAL MYOPATHY. Identifiers: Orphanet 63273, MedGen C3279722, MONDO:0013550, OMIM 614065.

Allele frequency attached by ClinVar (database versions not stated): gnomAD exomes below 0.00001.
gnomAD v4.1: 4 of 1,612,794 alleles (0.00025%); highest among the groups gnomAD compares: Non-Finnish European, 0.00034%; no homozygotes.

Submissions (2):

Labcorp Genetics (formerly Invitae), Labcorp
Classification: Likely benign for Distal myopathy with posterior leg and anterior hand involvement; Myofibrillar myopathy 5; Hypertrophic cardiomyopathy 26. Last evaluated: 2025-02-07. Review status: criteria provided, single submitter. Criteria: Invitae Variant Classification Sherloc (09022015). Collection method: clinical testing. Allele origin: germline.

Ambry Genetics
Classification: Uncertain significance for Cardiovascular phenotype. Last evaluated: 2025-01-31. Review status: criteria provided, single submitter. Criteria: Ambry Variant Classification Scheme 2023. Collection method: clinical testing. Allele origin: germline.
Comment: The c.6963C>T variant (also known as p.G2321G), located in coding exon 41 of the FLNC gene, results from a C to T substitution at nucleotide position 6963. This nucleotide substitution does not change the amino acid at codon 2321. This nucleotide position is well conserved in available vertebrate species. In silico splice site analysis for this alteration is inconclusive. Based on the available evidence, the clinical significance of this variant remains unclear.